The following is an entry in ClinVar:

ClinVar aggregate classification (germline): Uncertain significance (1 of 4 stars; one submission).

Conditions:
Hereditary cancer-predisposing syndrome. Also called: Neoplastic Syndromes, Hereditary; Tumor predisposition; Hereditary neoplastic syndrome; Hereditary Cancer Syndrome. Identifiers: Orphanet 140162, MedGen C0027672, MeSH D009386, MONDO:0015356.

Submission:

Ambry Genetics
Classification: Uncertain significance for Hereditary cancer-predisposing syndrome. Last evaluated: 2018-06-29. Review status: criteria provided, single submitter. Criteria: Ambry Variant Classification Scheme 2023. Collection method: clinical testing. Allele origin: germline.
Comment: The p.R240K variant (also known as c.719G>A), located in coding exon 5 of the CHEK2 gene, results from a G to A substitution at nucleotide position 719. The arginine at codon 240 is replaced by lysine, an amino acid with highly similar properties. This amino acid position is well conserved in available vertebrate species. In addition, this alteration is predicted to be tolerated by in silico analysis. Since supporting evidence is limited at this time, the clinical significance of this alteration remains unclear.

NM_007194.4(CHEK2):c.719G>A (p.Arg240Lys)

Gene: CHEK2 (checkpoint kinase 2; minus strand). Cytogenetic location: 22q12.1.
Variant type: single nucleotide variant.
Coding change: c.719G>A on transcript NM_007194.4 (MANE Select); coding-DNA position 719, G replaced by A.
Protein change: p.Arg240Lys; replaces arginine 240 with lysine.
Molecular consequence: missense variant.
Genome position (GRCh38, 1-based): chr22:28,711,982, C>T on the plus strand (G>A on the coding strand, the complement: CHEK2 is on the minus strand). VCF-style: chr22-28711982-C-T. GRCh37 (hg19) VCF-style: chr22-29107970-C-T.
Other names: c.848G>A, p.Arg283Lys (NM_001005735.3); c.56G>A, p.Arg19Lys (NM_001257387.3); c.518G>A, p.Arg173Lys (NM_001349956.3); c.719G>A, p.Arg240Lys (NM_145862.3); short protein forms R283K, R240K, R19K, R173K.
Identifiers: ClinVar variation 826900 (VCV000826900.4), dbSNP rs1323633806, ClinGen allele CA411103369.
Genomic context (GRCh38, chr22:28,711,982, plus strand): 5'-GAACCAATAGCAAACTTCCTTTTGCTGATGATCTTTATGGCTACTTTCTTACATGTTTTC[C>T]TCTCGAAAGCCAGCTTTACCTCTCCACAGGCACCACTAGAGGGAAAAACAAAGATAGTGA-3'
Protein context (NP_009125.1, residues 230-250): ACGEVKLAFE[Arg240Lys]KTCKKVAIKI